The following is an entry in ClinVar:

ClinVar aggregate classification (germline): Pathogenic (1 of 4 stars; one submission).

Conditions:
Duchenne muscular dystrophy (DMD). Also called: Duchenne Muscular Dystrophy (DMD); MUSCULAR DYSTROPHY, PSEUDOHYPERTROPHIC PROGRESSIVE, DUCHENNE TYPE. Identifiers: Orphanet 98896, MedGen C0013264, MONDO:0010679, OMIM 310200.

Submission:

Labcorp Genetics (formerly Invitae), Labcorp
Classification: Pathogenic for Duchenne muscular dystrophy. Last evaluated: 2022-04-23. Review status: criteria provided, single submitter. Criteria: Invitae Variant Classification Sherloc (09022015). Collection method: clinical testing. Allele origin: germline.
Comment: This variant is a gross deletion of the genomic region encompassing exon(s) 19-79 of the DMD gene, which includes the termination codon. This deletion extends beyond the assayed region for this gene and therefore may encompass additional genes. While this deletion is not anticipated to lead to nonsense mediated decay, it is expected to alter mRNA translation or result in a truncated protein product. This variant has not been reported in the literature in individuals affected with DMD-related conditions. This variant disrupts a region of the DMD protein in which other variant(s) (Deletion (Exons 68-79)) have been determined to be pathogenic (PMID: 31705731). This suggests that this is a clinically significant region of the protein, and that variants that disrupt it are likely to be disease-causing. For these reasons, this variant has been classified as Pathogenic.

Literature cited by the submitters: PubMed 31705731.

NC_000023.10:g.(?_31140036)_(32519979_?)del

Gene: DMD (dystrophin; minus strand). Cytogenetic location: Xp21.2-21.1.
Variant type: Deletion.
Identifiers: ClinVar variation 2424826 (VCV002424826.2).